The following is an entry in ClinVar:

ClinVar aggregate classification (germline): Likely pathogenic (1 of 4 stars; one submission).

Conditions:
Polycystic kidney disease 4 (PKD4). Also called: POLYCYSTIC KIDNEY AND HEPATIC DISEASE 1; POLYCYSTIC KIDNEY DISEASE, INFANTILE, TYPE I; PKD3; Autosomal Recessive Polycystic Kidney Disease – PKHD1; POLYCYSTIC KIDNEY DISEASE 4 WITH OR WITHOUT POLYCYSTIC LIVER DISEASE. Identifiers: MedGen C4540575, MONDO:0033004, OMIM 263200.

Submission:

Laboratory of Medical Genetics, National & Kapodistrian University of Athens
Classification: Likely pathogenic for Polycystic kidney disease 4. Last evaluated: 2022-10-24. Review status: criteria provided, single submitter. Criteria: ACMG Guidelines, 2015. Collection method: clinical testing. Allele origin: paternal. Affected: yes.
Comment: PM2, PM3, PP4

NM_138694.4(PKHD1):c.8785_8786insCTT (p.His2929delinsProTyr)

Gene: PKHD1 (PKHD1 ciliary IPT domain containing fibrocystin/polyductin; minus strand). Cytogenetic location: 6p12.3.
Variant type: Insertion.
Coding change: c.8785_8786insCTT on transcript NM_138694.4 (MANE Select); coding-DNA positions 8785 to 8786, CTT inserted.
Protein change: p.His2929delinsProTyr.
Molecular consequence: inframe indel.
Genome position: GRCh38 VCF-style: chr6-51754795-T-TAAG. GRCh37 (hg19) VCF-style: chr6-51619593-T-TAAG.
Other names: c.8785_8786insCTT, p.His2929delinsProTyr (NM_170724.3).
Identifiers: ClinVar variation 2572626 (VCV002572626.1), dbSNP rs2533948241, ClinGen allele CA2580617250.